The following is an entry in ClinVar:

ClinVar aggregate classification (germline): Uncertain significance. Review status: criteria provided, multiple submitters, no conflicts (2 of 4 stars). 3 submissions from 3 submitters: Uncertain significance (3). Last evaluated 2024-11-14.

Conditions:
Inborn genetic diseases. Identifiers: MedGen C0950123, MeSH D030342.
Osteogenesis imperfecta type 8 (OI8). Identifiers: MedGen C1970458, MONDO:0012581, OMIM 610915.

Allele frequency attached by ClinVar (database versions not stated): gnomAD 0.00003; gnomAD exomes 0.00001; TOPMed 0.00003.
gnomAD v4.1: 13 of 1,614,014 alleles (0.00081%); highest among the groups gnomAD compares: East Asian, 0.0022%; no homozygotes.

Submissions (3):

Dasa
Classification: Uncertain significance. Last evaluated: 2024-11-14. Review status: criteria provided, single submitter. Criteria: DASA Assertion Criteria. Collection method: clinical testing. Allele origin: germline.
Comment: NM_022356.4(P3H1):c.739G>A (p.Glu247Lys) is a missense variant that results in the substitution of glutamic acid with lysine. This variant is rare in population databases. The currently available literature and clinical evidence are not sufficient to establish a definitive association between this variant and the reported condition. Therefore, this variant is classified as a variant of uncertain significance.

Ambry Genetics
Classification: Uncertain significance for Inborn genetic diseases. Last evaluated: 2024-08-28. Review status: criteria provided, single submitter. Criteria: Ambry Variant Classification Scheme 2023. Collection method: clinical testing. Allele origin: germline.

Labcorp Genetics (formerly Invitae), Labcorp
Classification: Uncertain significance for Osteogenesis imperfecta type 8. Last evaluated: 2022-07-11. Review status: criteria provided, single submitter. Criteria: Invitae Variant Classification Sherloc (09022015). Collection method: clinical testing. Allele origin: germline.
Comment: This sequence change replaces glutamic acid, which is acidic and polar, with lysine, which is basic and polar, at codon 247 of the P3H1 protein (p.Glu247Lys). This variant is present in population databases (rs760265361, gnomAD 0.003%). This variant has not been reported in the literature in individuals affected with P3H1-related conditions. ClinVar contains an entry for this variant (Variation ID: 1058046). Algorithms developed to predict the effect of missense changes on protein structure and function are either unavailable or do not agree on the potential impact of this missense change (SIFT: "Deleterious"; PolyPhen-2: "Probably Damaging"; Align-GVGD: "Class C15"). In summary, the available evidence is currently insufficient to determine the role of this variant in disease. Therefore, it has been classified as a Variant of Uncertain Significance.

NM_022356.4(P3H1):c.739G>A (p.Glu247Lys)

Gene: P3H1 (prolyl 3-hydroxylase 1; minus strand). Cytogenetic location: 1p34.2.
Variant type: single nucleotide variant.
Coding change: c.739G>A on transcript NM_022356.4 (MANE Select); coding-DNA position 739, G replaced by A.
Protein change: p.Glu247Lys; replaces glutamic acid 247 with lysine.
Molecular consequence: missense variant.
Genome position (GRCh38, 1-based): chr1:42,759,270, C>T on the plus strand (G>A on the coding strand, the complement: P3H1 is on the minus strand). VCF-style: chr1-42759270-C-T. GRCh37 (hg19) VCF-style: chr1-43224941-C-T.
Other names: c.739G>A, p.Glu247Lys (NM_001146289.2, NM_001243246.2); c.739G>A (NM_022356.3); short protein forms E247K.
Identifiers: ClinVar variation 1058046 (VCV001058046.9), dbSNP rs760265361, ClinGen allele CA802089.